The following is an entry in ClinVar:

NM_000038.6(APC):c.7004G>A (p.Gly2335Glu)

Gene: APC (APC regulator of Wnt signaling pathway; plus strand). Cytogenetic location: 5q22.2.
Variant type: single nucleotide variant.
Coding change: c.7004G>A on transcript NM_000038.6 (MANE Select); coding-DNA position 7004, G replaced by A.
Protein change: p.Gly2335Glu; replaces glycine 2335 with glutamic acid.
Molecular consequence: missense variant. On other transcripts: non-coding transcript variant (2).
Genome position (GRCh38, 1-based): chr5:112,842,598, G>A. VCF-style: chr5-112842598-G-A. GRCh37 (hg19) VCF-style: chr5-112178295-G-A.
Other names: c.7004G>A, p.Gly2335Glu (NM_001354895.2, NM_001127510.3, NM_001407450.1); c.7058G>A, p.Gly2353Glu (NM_001354896.2, NM_001407447.1, NM_001407448.1 and 1 more transcripts); c.7034G>A, p.Gly2345Glu (NM_001354897.2); c.6929G>A, p.Gly2310Glu (NM_001354898.2); c.6920G>A, p.Gly2307Glu (NM_001354899.2); c.6881G>A, p.Gly2294Glu (NM_001354900.2); c.6827G>A, p.Gly2276Glu (NM_001354901.2, NM_001407453.1); c.6731G>A, p.Gly2244Glu (NM_001354902.2); and 11 more; short protein forms G2234E, G2307E, G2310E, G2328E, G2335E, G2206E, G2276E, G2294E.
Identifiers: ClinVar variation 5025818 (VCV005025818.1).
Genomic context (GRCh38, chr5:112,842,598, plus strand): 5'-AACCATTAAGTAGACCTATACAGTCTCCTGGCCGAAACTCAATTTCCCCTGGTAGAAATG[G>A]AATAAGTCCTCCTAACAAATTATCTCAACTTCCAAGGACATCATCCCCTAGTACTGCTTC-3'
Protein context (NP_000029.2, residues 2325-2345): GRNSISPGRN[Gly2335Glu]ISPPNKLSQL

ClinVar aggregate classification (germline): Uncertain significance (1 of 4 stars; one submission).

Conditions:
Hereditary cancer-predisposing syndrome. Also called: Neoplastic Syndromes, Hereditary; Tumor predisposition; Hereditary neoplastic syndrome; Hereditary Cancer Syndrome. Identifiers: Orphanet 140162, MedGen C0027672, MeSH D009386, MONDO:0015356.

Submission:

Ambry Genetics
Classification: Uncertain significance for Hereditary cancer-predisposing syndrome. Last evaluated: 2026-08-15. Review status: criteria provided, single submitter. Criteria: Ambry Variant Classification Scheme 2023. Collection method: clinical testing. Allele origin: germline.
Comment: The p.G2335E variant (also known as c.7004G>A), located in coding exon 15 of the APC gene, results from a G to A substitution at nucleotide position 7004. The glycine at codon 2335 is replaced by glutamic acid, an amino acid with similar properties. This amino acid position is conserved. In addition, in silico predictors for this gene do not accurately predict pathogenicity. Based on the available evidence, the clinical significance of this variant remains unclear.